The following is an entry in ClinVar:

ClinVar aggregate classification (germline): Pathogenic (1 of 4 stars; one submission).

Conditions:
Microcephaly-intellectual disability-sensorineural hearing loss-epilepsy-abnormal muscle tone syndrome (NEDHSB). Also called: NEURODEVELOPMENTAL DISORDER WITH HEARING LOSS, SEIZURES, AND BRAIN ABNORMALITIES. Identifiers: Orphanet 457351, MedGen C4225276, MONDO:0014698, OMIM 616577.

Submission:

Labcorp Genetics (formerly Invitae), Labcorp
Classification: Pathogenic for Microcephaly-intellectual disability-sensorineural hearing loss-epilepsy-abnormal muscle tone syndrome. Last evaluated: 2022-04-13. Review status: criteria provided, single submitter. Criteria: Invitae Variant Classification Sherloc (09022015). Collection method: clinical testing. Allele origin: germline.
Comment: This variant results in a copy number gain of the genomic region encompassing exon(s) 6-13 of the SPATA5 gene. While the exact position of this variant cannot be determined from the data, sub-genic copy number gains are generally in tandem (PMID: 25640679). This variant is predicted to be out-of-frame, and may result in an absent or disrupted protein product. Loss-of-function variants in SPATA5 are known to be pathogenic (PMID: 26299366). A similar copy number variant has been observed in individual(s) with clinical features of SPATA5-related conditions (Invitae). In at least one individual the data is consistent with being in trans (on the opposite chromosome) from a pathogenic variant. For these reasons, this variant has been classified as Pathogenic.

Literature cited by the submitters: PubMed 25640679; PubMed 26299366.

NC_000004.11:g.(?_123856849)_(123978463_?)dup

Gene: AFG2A (AFG2 AAA ATPase homolog A; plus strand). Cytogenetic location: 4q28.1.
Variant type: Duplication.
Identifiers: ClinVar variation 2427330 (VCV002427330.5).